The following is an entry in ClinVar:

NM_021975.4(RELA):c.103C>T (p.Arg35Cys)

Gene: RELA (RELA proto-oncogene, NF-kB subunit; minus strand). Cytogenetic location: 11q13.1.
Variant type: single nucleotide variant.
Coding change: c.103C>T on transcript NM_021975.4 (MANE Select); coding-DNA position 103, C replaced by T.
Protein change: p.Arg35Cys; replaces arginine 35 with cysteine.
Molecular consequence: missense variant. On other transcripts: 5 prime UTR variant (1).
Genome position (GRCh38, 1-based): chr11:65,662,020, G>A on the plus strand (C>T on the coding strand, the complement: RELA is on the minus strand). VCF-style: chr11-65662020-G-A. GRCh37 (hg19) VCF-style: chr11-65429491-G-A.
Other names: c.103C>T, p.Arg35Cys (NM_001145138.2, NM_001243984.2, NM_001243985.2 and 3 more transcripts); c.76C>T, p.Arg26Cys (NM_001404658.1); c.-187C>T (NM_001404661.1); c.10C>T, p.Arg4Cys (NM_001404662.1, NM_001404663.1); short protein forms R35C, R4C, R26C.
Identifiers: ClinVar variation 3717523 (VCV003717523.2).
Genomic context (GRCh38, chr11:65,662,020, plus strand): 5'-TGGTATCTGTGCTCCTCTCGCCTGGGATGCTGCCCGCGGAGCGCCCCTCGCACTTGTAGC[G>A]GAAGCGCATGCCCCGCTGCTTGGGCTGCTCAATGATCTCCACATAGGGGCCAGAGGCCTG-3'
Protein context (NP_068810.3, residues 25-45): EQPKQRGMRF[Arg35Cys]YKCEGRSAGS

ClinVar aggregate classification (germline): Uncertain significance (1 of 4 stars; one submission).

gnomAD v4.1: 1 of 1,613,338 alleles (0.000062%); highest among the groups gnomAD compares: East Asian, 0.0022%; no homozygotes.

Submission:

Labcorp Genetics (formerly Invitae), Labcorp
Classification: Uncertain significance. Last evaluated: 2024-09-16. Review status: criteria provided, single submitter. Criteria: Invitae Variant Classification Sherloc (09022015). Collection method: clinical testing. Allele origin: germline.
Comment: This sequence change replaces arginine, which is basic and polar, with cysteine, which is neutral and slightly polar, at codon 35 of the RELA protein (p.Arg35Cys). This variant is not present in population databases (gnomAD no frequency). This variant has not been reported in the literature in individuals affected with RELA-related conditions. An algorithm developed to predict the effect of missense changes on protein structure and function (PolyPhen-2) suggests that this variant is likely to be disruptive. In summary, the available evidence is currently insufficient to determine the role of this variant in disease. Therefore, it has been classified as a Variant of Uncertain Significance.